The following is an entry in ClinVar:

ClinVar aggregate classification (germline): Uncertain significance. Review status: criteria provided, multiple submitters, no conflicts (2 of 4 stars). 3 submissions from 3 submitters: Uncertain significance (3). Last evaluated 2025-09-03.

Conditions:
Inborn genetic diseases. Identifiers: MedGen C0950123, MeSH D030342.
MYO5B-related disorder. Also called: MYO5B-related condition.

Allele frequency attached by ClinVar (database versions not stated): ExAC 0.00002; gnomAD 0.00002 and 0.00003; gnomAD exomes 0.00002 and 0.00005; TOPMed 0.00006; ESP Exome Variant Server 0.00008.
gnomAD v4.1: 36 of 1,613,696 alleles (0.0022%); highest among the groups gnomAD compares: Middle Eastern, 0.069%; no homozygotes.

Submissions (3):

PreventionGenetics, part of Exact Sciences
Classification: Uncertain significance for MYO5B-related condition. Last evaluated: 2025-09-03. Review status: criteria provided, single submitter. Criteria: ACMG Guidelines, 2015. Collection method: clinical testing. Allele origin: germline.
Comment: The MYO5B c.3856A>C variant is predicted to result in the amino acid substitution p.Asn1286His. To our knowledge, this variant has not been reported in the literature. This variant is reported in 0.019% of alleles in individuals of Ashkenazi Jewish descent in gnomAD. At this time, the clinical significance of this variant is uncertain due to the absence of conclusive functional and genetic evidence.

Ambry Genetics
Classification: Uncertain significance for Inborn genetic diseases. Last evaluated: 2024-12-31. Review status: criteria provided, single submitter. Criteria: Ambry Variant Classification Scheme 2023. Collection method: clinical testing. Allele origin: germline.

Labcorp Genetics (formerly Invitae), Labcorp
Classification: Uncertain significance. Last evaluated: 2023-09-30. Review status: criteria provided, single submitter. Criteria: Invitae Variant Classification Sherloc (09022015). Collection method: clinical testing. Allele origin: germline.
Comment: This sequence change replaces asparagine, which is neutral and polar, with histidine, which is basic and polar, at codon 1286 of the MYO5B protein (p.Asn1286His). This variant is present in population databases (rs370557489, gnomAD 0.02%). This variant has not been reported in the literature in individuals affected with MYO5B-related conditions. ClinVar contains an entry for this variant (Variation ID: 1482055). An algorithm developed to predict the effect of missense changes on protein structure and function (PolyPhen-2) suggests that this variant¬†is likely to be tolerated. In summary, the available evidence is currently insufficient to determine the role of this variant in disease. Therefore, it has been classified as a Variant of Uncertain Significance.

NM_001080467.3(MYO5B):c.3856A>C (p.Asn1286His)

Gene: MYO5B (myosin VB; minus strand). Cytogenetic location: 18q21.1.
Variant type: single nucleotide variant.
Coding change: c.3856A>C on transcript NM_001080467.3 (MANE Select); coding-DNA position 3856, A replaced by C.
Protein change: p.Asn1286His; replaces asparagine 1286 with histidine.
Molecular consequence: missense variant.
Genome position (GRCh38, 1-based): chr18:49,863,315, T>G on the plus strand (A>C on the coding strand, the complement: MYO5B is on the minus strand). VCF-style: chr18-49863315-T-G. GRCh37 (hg19) VCF-style: chr18-47389685-T-G.
Other names: c.3856A>C (NM_001080467.2); short protein forms N1286H.
Identifiers: ClinVar variation 1482055 (VCV001482055.6), dbSNP rs370557489, ClinGen allele CA8960549.